The following is an entry in ClinVar:

NM_000143.4(FH):c.78C>T (p.Pro26=)

Gene: FH (fumarate hydratase; minus strand). Cytogenetic location: 1q43.
Variant type: single nucleotide variant.
Coding change: c.78C>T on transcript NM_000143.4 (MANE Select); coding-DNA position 78, C replaced by T.
Protein change: p.Pro26=; no amino-acid change (proline 26 retained).
Molecular consequence: synonymous variant.
Genome position (GRCh38, 1-based): chr1:241,519,645, G>A on the plus strand (C>T on the coding strand, the complement: FH is on the minus strand). VCF-style: chr1-241519645-G-A. GRCh37 (hg19) VCF-style: chr1-241682945-G-A.
Identifiers: ClinVar variation 514503 (VCV000514503.16), dbSNP rs1029677665, ClinGen allele CA40337954.

ClinVar aggregate classification (germline): Benign/Likely benign. Review status: criteria provided, multiple submitters, no conflicts (2 of 4 stars). 4 submissions from 4 submitters: Benign (1); Likely benign (3). Last evaluated 2025-12-24.

Conditions:
Hereditary leiomyomatosis and renal cell cancer. Also called: FH tumor predisposition syndrome; Multiple cutaneous leiomyomas; MULTIPLE CUTANEOUS AND UTERINE LEIOMYOMATA 1, WITH OR WITHOUT RENAL CELL CARCINOMA; Reed syndrome; Multiple cutaneous and uterine leiomyomatosis; Cutaneous leiomyomata with uterine leiomyomata. Identifiers: Orphanet 523, MedGen C1708350, MONDO:0007888, OMIM 150800, HP:0007437. Disease mechanism: loss of function.
Hereditary cancer-predisposing syndrome. Also called: Tumor predisposition; Hereditary neoplastic syndrome; Hereditary Cancer Syndrome; Neoplastic Syndromes, Hereditary. Identifiers: Orphanet 140162, MedGen C0027672, MeSH D009386, MONDO:0015356.

Allele frequency attached by ClinVar (database versions not stated): gnomAD exomes 0.00001; TOPMed 0.00002.
gnomAD v4.1: 9 of 1,548,004 alleles (0.00058%); highest among the groups gnomAD compares: East Asian, 0.0024%; no homozygotes.

Submissions (4):

Labcorp Genetics (formerly Invitae), Labcorp
Classification: Likely benign. Last evaluated: 2025-12-24. Review status: criteria provided, single submitter. Criteria: Invitae Variant Classification Sherloc (09022015). Collection method: clinical testing. Allele origin: germline.

Myriad Genetics, Inc.
Classification: Benign for Hereditary leiomyomatosis and renal cell cancer. Last evaluated: 2024-10-17. Review status: criteria provided, single submitter. Criteria: Myriad Autosomal Dominant, Autosomal Recessive and X-Linked Classification Criteria (2023). Collection method: clinical testing. Allele origin: unknown.
Comment: This variant is considered benign. This variant is a silent/synonymous amino acid change and it is not expected to impact splicing.

GeneDx
Classification: Likely benign. Last evaluated: 2019-02-08. Review status: criteria provided, single submitter. Criteria: GeneDx Variant Classification Process June 2021. Collection method: clinical testing. Allele origin: germline. Affected: yes.

Ambry Genetics
Classification: Likely benign for Hereditary cancer-predisposing syndrome. Last evaluated: 2018-01-17. Review status: criteria provided, single submitter. Criteria: Ambry Variant Classification Scheme 2023. Collection method: clinical testing. Allele origin: germline.